The following is an entry in ClinVar:

NM_001330360.2(POLA1):c.350A>G (p.Lys117Arg)

Gene: POLA1 (DNA polymerase alpha 1, catalytic subunit; plus strand). Cytogenetic location: Xp22.11.
Variant type: single nucleotide variant.
Coding change: c.350A>G on transcript NM_001330360.2 (MANE Select); coding-DNA position 350, A replaced by G.
Protein change: p.Lys117Arg; replaces lysine 117 with arginine.
Molecular consequence: missense variant. On other transcripts: non-coding transcript variant (2).
Genome position (GRCh38, 1-based): chrX:24,714,557, A>G. VCF-style: chrX-24714557-A-G. GRCh37 (hg19) VCF-style: chrX-24732674-A-G.
Other names: c.350A>G, p.Lys117Arg (NM_001378303.1); c.332A>G, p.Lys111Arg (NM_016937.4); short protein forms K111R, K117R.
Identifiers: ClinVar variation 2637340 (VCV002637340.5), dbSNP rs781603224, ClinGen allele CA10372764.

ClinVar aggregate classification (germline): Uncertain significance. Review status: criteria provided, single submitter (1 of 4 stars). 2 submissions from 2 submitters: Uncertain significance (1). 1 of the submissions does not count toward it. Last evaluated 2025-08-29.

Conditions:
POLA1-related disorder. Also called: POLA1-related condition.

Allele frequency attached by ClinVar (database versions not stated): ExAC 0.00003; gnomAD exomes below 0.00001.
gnomAD v4.1: 3 of 1,153,840 alleles (0.00026%); highest among the groups gnomAD compares: Admixed American, 0.007%; no homozygotes.

Submissions (2):

Labcorp Genetics (formerly Invitae), Labcorp
Classification: Uncertain significance. Last evaluated: 2025-08-29. Review status: criteria provided, single submitter. Criteria: Invitae Variant Classification Sherloc (09022015). Collection method: clinical testing. Allele origin: germline.
Comment: This sequence change replaces lysine, which is basic and polar, with arginine, which is basic and polar, at codon 111 of the POLA1 protein (p.Lys111Arg). The frequency data for this variant in the population databases is considered unreliable, as metrics indicate poor data quality at this position in the gnomAD database. This variant has not been reported in the literature in individuals affected with POLA1-related conditions. ClinVar contains an entry for this variant (Variation ID: 2637340). Invitae Evidence Modeling of protein sequence and biophysical properties (such as structural, functional, and spatial information, amino acid conservation, physicochemical variation, residue mobility, and thermodynamic stability) indicates that this missense variant is not expected to disrupt POLA1 protein function with a negative predictive value of 80%. In summary, the available evidence is currently insufficient to determine the role of this variant in disease. Therefore, it has been classified as a Variant of Uncertain Significance.

PreventionGenetics, part of Exact Sciences
Classification: Uncertain significance for POLA1-related condition. Last evaluated: 2024-01-25. Review status: no assertion criteria provided. Collection method: clinical testing. Allele origin: germline. Not counted in ClinVar's aggregate classification.
Comment: The POLA1 c.332A>G variant is predicted to result in the amino acid substitution p.Lys111Arg. To our knowledge, this variant has not been reported in the literature. This variant is reported in 0.0086% of alleles in individuals of Latino descent in gnomAD, including one hemizygote. At this time, the clinical significance of this variant is uncertain due to the absence of conclusive functional and genetic evidence.